The following is an entry in ClinVar:

ClinVar aggregate classification (germline): Uncertain significance (1 of 4 stars; one submission).

Conditions:
Familial isolated arrhythmogenic right ventricular dysplasia. Identifiers: Orphanet 217656, MedGen C4274968, MONDO:0016342.

gnomAD v4.1: 7 of 1,613,996 alleles (0.00043%); highest among the groups gnomAD compares: South Asian, 0.0077%; no homozygotes.

Submission:

All of Us Research Program, National Institutes of Health
Classification: Uncertain significance for Familial isolated arrhythmogenic right ventricular dysplasia. Last evaluated: 2024-06-17. Review status: criteria provided, single submitter. Criteria: ACMG Guidelines, 2015. Collection method: clinical testing. Allele origin: germline. Inheritance: Autosomal dominant inheritance. Observed: 1 variant allele, 1 heterozygote.
Comment: This missense variant replaces arginine with threonine at codon 501 of the DSC2 protein. Computational prediction suggests that this variant may not impact protein structure and function (internally defined REVEL score threshold <= 0.5, PMID: 27666373). To our knowledge, functional studies have not been reported for this variant. This variant has not been reported in individuals affected with DSC2-related disorders in the literature. This variant has been identified in 4/251130 chromosomes in the general population by the Genome Aggregation Database (gnomAD). The available evidence is insufficient to determine the role of this variant in disease conclusively. Therefore, this variant is classified as a Variant of Uncertain Significance.

This study involves interpretation of variants in research participants for the purpose of population health screening. Participant phenotype was not available at the time of variant classification. Additional details can be found in publication PMID: 35346344, PMCID: PMC8962531

NM_024422.6(DSC2):c.1502G>C (p.Arg501Thr)

Gene: DSC2 (desmocollin 2; minus strand). Cytogenetic location: 18q12.1.
Variant type: single nucleotide variant.
Coding change: c.1502G>C on transcript NM_024422.6 (MANE Select); coding-DNA position 1502, G replaced by C.
Protein change: p.Arg501Thr; replaces arginine 501 with threonine.
Molecular consequence: missense variant.
Genome position (GRCh38, 1-based): chr18:31,080,114, C>G on the plus strand (G>C on the coding strand, the complement: DSC2 is on the minus strand). VCF-style: chr18-31080114-C-G. GRCh37 (hg19) VCF-style: chr18-28660080-C-G.
Other names: c.1073G>C, p.Arg358Thr (NM_001406506.1, NM_001406507.1); c.1502G>C, p.Arg501Thr (NM_004949.5); short protein forms R358T, R501T.
Identifiers: ClinVar variation 3386524 (VCV003386524.1).